The following is an entry in ClinVar:

NM_000256.3(MYBPC3):c.2833C>T (p.Arg945Trp)

Gene: MYBPC3 (myosin binding protein C3; minus strand). Cytogenetic location: 11p11.2.
Variant type: single nucleotide variant.
Coding change: c.2833C>T on transcript NM_000256.3 (MANE Select); coding-DNA position 2833, C replaced by T.
Protein change: p.Arg945Trp; replaces arginine 945 with tryptophan.
Molecular consequence: missense variant.
Genome position (GRCh38, 1-based): chr11:47,335,114, G>A on the plus strand (C>T on the coding strand, the complement: MYBPC3 is on the minus strand). VCF-style: chr11-47335114-G-A. GRCh37 (hg19) VCF-style: chr11-47356665-G-A.
Other names: short protein forms R945W.
Identifiers: ClinVar variation 164060 (VCV000164060.22), dbSNP rs727503183, ClinGen allele CA013027.

ClinVar aggregate classification (germline): Uncertain significance. Review status: criteria provided, multiple submitters, no conflicts (2 of 4 stars). 8 submissions from 8 submitters: Uncertain significance (8). Last evaluated 2025-10-01.

Conditions:
Cardiovascular phenotype. Identifiers: MedGen CN230736.
Hypertrophic cardiomyopathy 4. Also called: Familial hypertrophic cardiomyopathy 4. Identifiers: MedGen C1861862, MONDO:0007268, OMIM 115197.
Hypertrophic cardiomyopathy. Also called: HYPERTROPHIC MYOCARDIOPATHY. Identifiers: Orphanet 217569, MedGen C0007194, MeSH D002312, MONDO:0005045, HP:0001639.
Cardiomyopathy (CMYO). Also called: Cardiomyopathies. Identifiers: Orphanet 167848, MedGen C0878544, MONDO:0004994, HP:0001638. Inheritance: Various modes of inheritance.

Allele frequency attached by ClinVar (database versions not stated): ExAC 0.00001; gnomAD exomes 0.00001; TOPMed 0.00002.
gnomAD v4.1: 22 of 1,611,668 alleles (0.0014%); highest among the groups gnomAD compares: East Asian, 0.0045%; no homozygotes.

Submissions (8):

Labcorp Genetics (formerly Invitae), Labcorp
Classification: Uncertain significance for Hypertrophic cardiomyopathy. Last evaluated: 2025-10-01. Review status: criteria provided, single submitter. Criteria: Invitae Variant Classification Sherloc (09022015). Collection method: clinical testing. Allele origin: germline.
Comment: This sequence change replaces arginine, which is basic and polar, with tryptophan, which is neutral and slightly polar, at codon 945 of the MYBPC3 protein (p.Arg945Trp). The frequency data for this variant in the population databases is considered unreliable, as metrics indicate poor data quality at this position in the gnomAD database. This variant has not been reported in the literature in individuals affected with MYBPC3-related conditions. ClinVar contains an entry for this variant (Variation ID: 164060). An algorithm developed to predict the effect of missense changes on protein structure and function (PolyPhen-2) suggests that this variant is likely to be disruptive. In summary, the available evidence is currently insufficient to determine the role of this variant in disease. Therefore, it has been classified as a Variant of Uncertain Significance.

Ambry Genetics
Classification: Uncertain significance for Cardiovascular phenotype. Last evaluated: 2025-02-05. Review status: criteria provided, single submitter. Criteria: Ambry Variant Classification Scheme 2023. Collection method: clinical testing. Allele origin: germline.
Comment: The p.R945W variant (also known as c.2833C>T), located in coding exon 27 of the MYBPC3 gene, results from a C to T substitution at nucleotide position 2833. The arginine at codon 945 is replaced by tryptophan, an amino acid with dissimilar properties. This amino acid position is not well conserved in available vertebrate species. In addition, the in silico prediction for this alteration is inconclusive. Based on the available evidence, the clinical significance of this variant remains unclear.

Blueprint Genetics
Classification: Uncertain significance. Last evaluated: 2024-10-30. Review status: criteria provided, single submitter. Criteria: ACMG Guidelines, 2015. Collection method: clinical testing. Allele origin: germline.

Color Diagnostics, LLC DBA Color Health
Classification: Uncertain significance for Cardiomyopathy. Last evaluated: 2024-09-30. Review status: criteria provided, single submitter. Criteria: ACMG Guidelines, 2015. Collection method: clinical testing. Allele origin: germline.
Comment: This missense variant replaces arginine with tryptophan at codon 945 of the MYBPC3 protein. Computational prediction tool is inconclusive regarding the impact of this variant on protein structure and function. To our knowledge, functional studies have not been reported for this variant. This variant has not been reported in individuals affected with MYBPC3-related disorders in the literature. This variant has been identified in 3/246360 chromosomes in the general population by the Genome Aggregation Database (gnomAD). The available evidence is insufficient to determine the role of this variant in disease conclusively. Therefore, this variant is classified as a Variant of Uncertain Significance.

All of Us Research Program, National Institutes of Health
Classification: Uncertain significance for Hypertrophic cardiomyopathy. Last evaluated: 2024-09-23. Review status: criteria provided, single submitter. Criteria: ACMG Guidelines, 2015. Collection method: clinical testing. Allele origin: germline. Inheritance: Autosomal dominant inheritance. Observed: 10 variant alleles, 10 heterozygotes.
Comment: This missense variant replaces arginine with tryptophan at codon 945 of the MYBPC3 protein. Computational prediction is inconclusive regarding the impact of this variant on protein structure and function (internally defined REVEL score threshold 0.5 < inconclusive < 0.7, PMID: 27666373). To our knowledge, functional studies have not been reported for this variant. This variant has not been reported in individuals affected with cardiovascular disorders in the literature. This variant has been identified in 3/246360 chromosomes in the general population by the Genome Aggregation Database (gnomAD). The available evidence is insufficient to determine the role of this variant in disease conclusively. Therefore, this variant is classified as a Variant of Uncertain Significance.

This study involves interpretation of variants in research participants for the purpose of population health screening. Participant phenotype was not available at the time of variant classification. Additional details can be found in publication PMID: 35346344, PMCID: PMC8962531

Mayo Clinic Laboratories, Mayo Clinic
Classification: Uncertain significance. Last evaluated: 2021-12-21. Review status: criteria provided, single submitter. Criteria: ACMG Guidelines, 2015. Collection method: clinical testing. Allele origin: germline.

Victorian Clinical Genetics Services, Murdoch Childrens Research Institute
Classification: Uncertain significance for Hypertrophic cardiomyopathy 4. Last evaluated: 2021-05-06. Review status: criteria provided, single submitter. Criteria: ACMG Guidelines, 2015. Collection method: clinical testing. Allele origin: germline. Inheritance: Autosomal dominant inheritance. Affected: yes.
Comment: Based on the classification scheme VCGS_Germline_v1.3.4, this variant is classified as VUS-3B. Following criteria are met: 0102 - Loss of function is a known mechanism of disease in this gene and is associated with hypertrophic cardiomyopathy 4 (MIM#115197). (I) 0108 - This gene is associated with both recessive and dominant disease. Heterozygous variants are frequently reported in adult onset conditions, however recessive inheritance results in a more severe early onset phenotype (OMIM). (I) 0200 - Variant is predicted to result in a missense amino acid change from arginine to tryptophan. (I) 0251 - This variant is heterozygous. (I) 0302 - Variant is present in gnomAD (v2) <0.001 for a dominant condition (3 heterozygotes, 0 homozygotes). (SP) 0309 - An alternative amino acid change at the same position has been observed in gnomAD (v3) (4 heterozygotes, 0 homozygotes). (I) 0502 - Missense variant with conflicting in silico predictions and uninformative conservation. (I) 0600 - Variant is located in the annotated Fibronectin type III 2 domain (NCBI, Uniprot). (I) 0710 - Other missense variants comparable to the one identified in this case have inconclusive previous evidence for pathogenicity. Two different variants in the same codon resulting in a change to a leucine and a glutamine have been reported as VUS (ClinVar, PMID: 29875424). (I) 0808 - Previous reports of pathogenicity for this variant are conflicting. This variant has been reported as a VUS and also found in a healthy individual (ClinVar, PMID: 24510615). (I) 0905 - No published segregation evidence has been identified for this variant. (I) 1007 - No published functional evidence has been identified for this variant. (I) 1208 - Inheritance information for this variant is not currently available in this individual. (I) Legend: (SP) - Supporting pathogenic, (I) - Information, (SB) - Supporting benign

Laboratory for Molecular Medicine, Mass General Brigham Personalized Medicine
Classification: Uncertain significance. Last evaluated: 2014-07-21. Review status: criteria provided, single submitter. Criteria: LMM Criteria. Collection method: clinical testing. Allele origin: germline. Observed: 1 variant allele.
Comment: The Arg945Trp variant in MYBPC3 has not been previously reported in individuals with cardiomyopathy or in large population studies. Arginine (Arg) at position 9 45 is not conserved in mammals or evolutionarily distant species and the change to Tryptophan (Trp) was predicted to be benign using a computational tool clinic ally validated by our laboratory. This tool's benign prediction is estimated to be correct 89% of the time (Jordan 2011). In summary, the clinical significance of the Arg945Trp variant is uncertain.

Literature cited by the submitters: PubMed 24510615 (cited by Victorian Clinical Genetics Services, Murdoch Childrens Research Institute); PubMed 29875424 (cited by Victorian Clinical Genetics Services, Murdoch Childrens Research Institute).